The following is an entry in ClinVar:

ClinVar aggregate classification (germline): Uncertain significance (1 of 4 stars; one submission).

Conditions:
Short-rib thoracic dysplasia 6 with or without polydactyly (SRTD6). Also called: SHORT RIB-POLYDACTYLY SYNDROME, TYPE IIA; SHORT-RIB THORACIC DYSPLASIA 6 WITHOUT POLYDACTYLY; POLYDACTYLY WITH NEONATAL CHONDRODYSTROPHY, TYPE II; Majewski Syndrome; SHORT-RIB THORACIC DYSPLASIA 6 WITH POLYDACTYLY. Identifiers: MedGen C0024507, MONDO:0009894, OMIM 263520.

gnomAD v4.1: 14 of 1,609,114 alleles (0.00087%); highest among the groups gnomAD compares: African/African-American, 0.016%; no homozygotes.

Submission:

Labcorp Genetics (formerly Invitae), Labcorp
Classification: Uncertain significance for Short-rib thoracic dysplasia 6 with or without polydactyly. Last evaluated: 2025-10-28. Review status: criteria provided, single submitter. Criteria: Invitae Variant Classification Sherloc (09022015). Collection method: clinical testing. Allele origin: germline.
Comment: This sequence change replaces serine, which is neutral and polar, with phenylalanine, which is neutral and non-polar, at codon 650 of the NEK1 protein (p.Ser650Phe). This variant is present in population databases (rs200169770, gnomAD 0.02%). This variant has not been reported in the literature in individuals affected with NEK1-related conditions. Invitae Evidence Modeling of protein sequence and biophysical properties (such as structural, functional, and spatial information, amino acid conservation, physicochemical variation, residue mobility, and thermodynamic stability) indicates that this missense variant is not expected to disrupt NEK1 protein function with a negative predictive value of 80%. In summary, the available evidence is currently insufficient to determine the role of this variant in disease. Therefore, it has been classified as a Variant of Uncertain Significance.

NM_001199397.3(NEK1):c.2033C>T (p.Ser678Phe)

Gene: NEK1 (NIMA related kinase 1; minus strand). Cytogenetic location: 4q33.
Variant type: single nucleotide variant.
Coding change: c.2033C>T on transcript NM_001199397.3 (MANE Select); coding-DNA position 2033, C replaced by T.
Protein change: p.Ser678Phe; replaces serine 678 with phenylalanine.
Molecular consequence: missense variant. On other transcripts: non-coding transcript variant (1).
Genome position (GRCh38, 1-based): chr4:169,479,509, G>A on the plus strand (C>T on the coding strand, the complement: NEK1 is on the minus strand). VCF-style: chr4-169479509-G-A. GRCh37 (hg19) VCF-style: chr4-170400660-G-A.
Other names: c.1901C>T, p.Ser634Phe (NM_001199398.3, NM_001440622.1); c.1742C>T, p.Ser581Phe (NM_001199399.3); c.1817C>T, p.Ser606Phe (NM_001199400.3, NM_001440623.1); c.2033C>T, p.Ser678Phe (NM_001374418.1, NM_001440620.1); c.1949C>T, p.Ser650Phe (NM_001374419.1, NM_001440621.1, NM_012224.4); c.1898C>T, p.Ser633Phe (NM_001374420.1); c.1727C>T, p.Ser576Phe (NM_001374421.1); c.1328C>T, p.Ser443Phe (NM_001440624.1); and 1 more; short protein forms S399F, S443F, S576F, S581F, S606F, S633F, S634F, S650F.
Identifiers: ClinVar variation 4806845 (VCV004806845.1).